The following is an entry in ClinVar:

ClinVar aggregate classification (germline): Pathogenic (1 of 4 stars; one submission).

Conditions:
Diffuse cerebral and cerebellar atrophy - intractable seizures - progressive microcephaly syndrome. Also called: Microcephaly, progressive, with seizures and cerebral and cerebellar atrophy. Identifiers: Orphanet 404437, MedGen C4014239, MONDO:0014335, OMIM 615760.

Submission:

Women's Health and Genetics/Laboratory Corporation of America, LabCorp
Classification: Pathogenic for Diffuse cerebral and cerebellar atrophy - intractable seizures - progressive microcephaly syndrome. Last evaluated: 2024-04-19. Review status: criteria provided, single submitter. Criteria: LabCorp Variant Classification Summary - May 2015. Collection method: clinical testing. Allele origin: germline.
Comment: Variant summary: QARS1 c.561dupG (p.Lys188GlufsX28) results in a premature termination codon, predicted to cause a truncation of the encoded protein or absence of the protein due to nonsense mediated decay, which are commonly known mechanisms for disease. The variant was absent in 1461852 control chromosomes. To our knowledge, no occurrence of c.561dupG in individuals affected with Diffuse Cerebral And Cerebellar Atrophy-Intractable Seizures-Progressive Microcephaly Syndrome and no experimental evidence demonstrating its impact on protein function have been reported. No submitters have cited clinical-significance assessments for this variant to ClinVar. Based on the evidence outlined above, the variant was classified as pathogenic.

NM_005051.3(QARS1):c.561dup (p.Lys188fs)

Gene: QARS1 (glutaminyl-tRNA synthetase 1; minus strand). Cytogenetic location: 3p21.31.
Variant type: Duplication.
Coding change: c.561dup on transcript NM_005051.3 (MANE Select); coding-DNA position 561, one base duplicated (G; older notation c.561dupG).
Protein change: p.Lys188fs; shifts the reading frame from lysine 188.
Molecular consequence: frameshift variant. On other transcripts: non-coding transcript variant (1).
Genome position (GRCh38, 1-based): chr3:49,102,428, C duplicated on the plus strand (G on the coding strand, the reverse complement: QARS1 is on the minus strand). VCF-style (leftmost placement, unchanged base first): chr3-49102427-T-TC. GRCh37 (hg19) VCF-style: chr3-49139860-T-TC.
Other names: c.528dup, p.Lys177fs (NM_001272073.2); c.561dupG (NM_005051.3); short protein forms K177fs, K188fs.
Identifiers: ClinVar variation 3251838 (VCV003251838.1), dbSNP rs2471859404.